The following is an entry in ClinVar:

NM_000116.5(TAFAZZIN):c.28C>T (p.Pro10Ser)

Genes: DNASE1L1 (deoxyribonuclease 1 like 1; minus strand), TAFAZZIN (tafazzin, phospholipid-lysophospholipid transacylase; plus strand), LOC130068869 (ATAC-STARR-seq lymphoblastoid silent region 21101; plus strand). Cytogenetic location: Xq28.
Variant type: single nucleotide variant.
Coding change: c.28C>T on transcript NM_000116.5 (MANE Select); coding-DNA position 28, C replaced by T.
Protein change: p.Pro10Ser; replaces proline 10 with serine.
Molecular consequence: missense variant. On other transcripts: non-coding transcript variant (1), intron variant (3).
Genome position (GRCh38, 1-based): chrX:154,411,871, C>T. VCF-style: chrX-154411871-C-T. GRCh37 (hg19) VCF-style: chrX-153640208-C-T.
Other names: c.28C>T, p.Pro10Ser (NM_001303465.2, NM_001410698.1, NM_001440856.1 and 5 more transcripts); c.-88+20G>A (NM_001009934.3); c.-173+20G>A (NM_001009933.3); c.-431+20G>A (NM_001009932.3); short protein forms P10S.
Identifiers: ClinVar variation 2963673 (VCV002963673.3), dbSNP rs782316788, ClinGen allele CA10562259.

ClinVar aggregate classification (germline): Uncertain significance (1 of 4 stars; one submission).

Conditions:
3-Methylglutaconic aciduria type 2 (BTHS). Also called: CARDIOSKELETAL MYOPATHY WITH NEUTROPENIA AND ABNORMAL MITOCHONDRIA; Barth syndrome. Identifiers: Orphanet 111, MedGen C0574083, MONDO:0010543, OMIM 302060.

Allele frequency attached by ClinVar (database versions not stated): gnomAD exomes below 0.00001; TOPMed 0.00002.
gnomAD v4.1: 3 of 1,203,401 alleles (0.00025%); highest among the groups gnomAD compares: Admixed American, 0.0022%; no homozygotes.

Submission:

Labcorp Genetics (formerly Invitae), Labcorp
Classification: Uncertain significance for 3-Methylglutaconic aciduria type 2. Last evaluated: 2020-11-11. Review status: criteria provided, single submitter. Criteria: Invitae Variant Classification Sherloc (09022015). Collection method: clinical testing. Allele origin: germline.
Comment: This sequence change replaces proline with serine at codon 10 of the TAZ protein (p.Pro10Ser). The proline residue is highly conserved and there is a moderate physicochemical difference between proline and serine. The frequency data for this variant in the population databases is considered unreliable, as metrics indicate poor data quality at this position in the ExAC database. This variant has not been reported in the literature in individuals with TAZ-related conditions. Algorithms developed to predict the effect of missense changes on protein structure and function are either unavailable or do not agree on the potential impact of this missense change (SIFT: "Not Available"; PolyPhen-2: "Possibly Damaging"; Align-GVGD: "Not Available"). In summary, the available evidence is currently insufficient to determine the role of this variant in disease. Therefore, it has been classified as a Variant of Uncertain Significance.